The following is an entry in ClinVar:

NM_002335.4(LRP5):c.480dup (p.Ala161fs)

Gene: LRP5 (LDL receptor related protein 5; plus strand). Cytogenetic location: 11q13.2.
Variant type: Duplication.
Coding change: c.480dup on transcript NM_002335.4 (MANE Select); coding-DNA position 480, one base duplicated (C; older notation c.480dupC).
Protein change: p.Ala161fs; shifts the reading frame from alanine 161.
Molecular consequence: frameshift variant. On other transcripts: 5 prime UTR variant (1).
Genome position (GRCh38, 1-based): chr11:68,348,235, C duplicated; the last of 4 consecutive C bases (chr11:68,348,232-68,348,235); duplicating any one gives the same sequence. VCF-style (leftmost placement, unchanged base first): chr11-68348231-A-AC. GRCh37 (hg19) VCF-style: chr11-68115699-A-AC.
Other names: c.-1286dup (NM_001291902.2); short protein forms A161fs.
Identifiers: ClinVar variation 1407475 (VCV001407475.6), dbSNP rs1057519126, ClinGen allele CA939124067.

ClinVar aggregate classification (germline): Pathogenic (1 of 4 stars; one submission).

Submission:

Labcorp Genetics (formerly Invitae), Labcorp
Classification: Pathogenic. Last evaluated: 2022-03-02. Review status: criteria provided, single submitter. Criteria: Invitae Variant Classification Sherloc (09022015). Collection method: clinical testing. Allele origin: germline.
Comment: For these reasons, this variant has been classified as Pathogenic. This variant has not been reported in the literature in individuals affected with LRP5-related conditions. This variant is not present in population databases (gnomAD no frequency). This sequence change creates a premature translational stop signal (p.Ala161Argfs*12) in the LRP5 gene. It is expected to result in an absent or disrupted protein product. Loss-of-function variants in LRP5 are known to be pathogenic (PMID: 11719191, 16252235, 25711638).

Literature cited by the submitters: PubMed 11719191; PubMed 16252235; PubMed 25711638.